The following is an entry in ClinVar:

NM_007194.4(CHEK2):c.908+5G>A

Gene: CHEK2 (checkpoint kinase 2; minus strand). Cytogenetic location: 22q12.1.
Variant type: single nucleotide variant.
Coding change: c.908+5G>A on transcript NM_007194.4 (MANE Select); 5 bases into the intron after coding-DNA position 908, G replaced by A.
Molecular consequence: intron variant.
Genome position (GRCh38, 1-based): chr22:28,703,500, C>T on the plus strand (G>A on the coding strand, the complement: CHEK2 is on the minus strand). VCF-style: chr22-28703500-C-T. GRCh37 (hg19) VCF-style: chr22-29099488-C-T.
Other names: c.245+5G>A (NM_001437942.1, NM_001257387.3); c.707+5G>A (NM_001349956.3); c.908+5G>A (NM_145862.3); c.1001+5G>A (NM_001438295.1, NM_001438293.1); c.1037+5G>A (NM_001438294.1, NM_001005735.3).
Identifiers: ClinVar variation 483373 (VCV000483373.18), dbSNP rs1064796016, ClinGen allele CA658656845.

ClinVar aggregate classification (germline): Conflicting classifications of pathogenicity. Review status: criteria provided, conflicting classifications (1 of 4 stars). 5 submissions from 5 submitters: Likely pathogenic (2); Uncertain significance (3). Last evaluated 2025-11-20.

Conditions:
Hereditary cancer-predisposing syndrome. Also called: Neoplastic Syndromes, Hereditary; Tumor predisposition; Hereditary Cancer Syndrome; Hereditary neoplastic syndrome. Identifiers: Orphanet 140162, MedGen C0027672, MeSH D009386, MONDO:0015356.
CHEK2-related cancer predisposition (TPDS4). Also called: TUMOR PREDISPOSITION SYNDROME 4; CANCER PREDISPOSITION SYNDROME, CHEK2-RELATED; CHEK2-related cancer susceptibility. Identifiers: Orphanet 524, MedGen C5882668, MONDO:0700271, OMIM 609265.
Familial cancer of breast. Also called: BREAST CANCER, FAMILIAL; Hereditary breast cancer; hereditary breast carcinoma. Identifiers: Orphanet 227535, MedGen C0346153, MONDO:0016419, OMIM 114480. Disease mechanism: loss of function.

Submissions (5):

Ambry Genetics
Classification: Likely pathogenic for Hereditary cancer-predisposing syndrome. Last evaluated: 2025-11-20. Review status: criteria provided, single submitter. Criteria: Ambry Variant Classification Scheme 2023. Collection method: clinical testing. Allele origin: germline.
Comment: The c.908+5G>A intronic variant results from a G to A substitution 5 nucleotides after coding exon 7 in the CHEK2 gene. This nucleotide position is highly conserved in available vertebrate species. In silico splice site analysis predicts that this alteration will weaken the native splice donor site. RNA studies have demonstrated that this alteration results in abnormal splicing in the set of samples tested (Ambry internal data). This variant is considered to be rare based on population cohorts in the Genome Aggregation Database (gnomAD). Based on the majority of available evidence to date, this variant is likely to be pathogenic.

Color Diagnostics, LLC DBA Color Health
Classification: Uncertain significance for Hereditary cancer-predisposing syndrome. Last evaluated: 2025-07-21. Review status: criteria provided, single submitter. Criteria: ACMG Guidelines, 2015. Collection method: clinical testing. Allele origin: germline.
Comment: This variant causes a G to A nucleotide substitution at the +5 position of intron 8/14 of the CHEK2 gene. Splice site prediction tools predict that this variant may have a significant impact on RNA splicing. External laboratories have reported that this variant results in abnormal splicing, but one or more of the resulting mRNA isoform(s) may be naturally occurring (ClinVar SCV000669262.7, SCV001393630.6). This variant has not been reported in individuals affected with CHEK2-related disorders in the literature. This variant has not been identified in the general population by the Genome Aggregation Database (gnomAD). The available evidence is insufficient to determine the role of this variant in disease conclusively. Therefore, this variant is classified as a Variant of Uncertain Significance.

Labcorp Genetics (formerly Invitae), Labcorp
Classification: Likely pathogenic for Familial cancer of breast. Last evaluated: 2025-02-17. Review status: criteria provided, single submitter. Criteria: Invitae Variant Classification Sherloc (09022015). Collection method: clinical testing. Allele origin: germline.
Comment: This sequence change falls in intron 8 of the CHEK2 gene. It does not directly change the encoded amino acid sequence of the CHEK2 protein. RNA analysis indicates that this variant induces altered splicing and may result in an absent or altered protein product. This variant is not present in population databases (gnomAD no frequency). This variant has not been reported in the literature in individuals affected with CHEK2-related conditions. ClinVar contains an entry for this variant (Variation ID: 483373). Variants that disrupt the consensus splice site are a relatively common cause of aberrant splicing (PMID: 17576681, 9536098). Studies have shown that this variant results in significantly increased skipping of exon 8, and produces a non-functional protein and/or introduces a premature termination codon (internal data). In summary, the currently available evidence indicates that the variant is pathogenic, but additional data are needed to prove that conclusively. Therefore, this variant has been classified as Likely Pathogenic.

KCCC/NGS Laboratory, Kuwait Cancer Control Center
Classification: Uncertain significance for CHEK2-related cancer predisposition. Last evaluated: 2024-11-03. Review status: criteria provided, single submitter. Criteria: ACMG Guidelines, 2015. Collection method: clinical testing. Allele origin: germline. Inheritance: Autosomal dominant inheritance. Affected: yes. Observed: 1 heterozygote.
Comment: This sequence change falls in intronic area of the CHEK2 gene. It does not directly change the encoded amino acid sequence of the CHEK2 protein. It affects a nucleotide within the consensus splice site. This nucleotide position is highly conserved . This variant is not present in population databases (gnomAD no frequency). This variant has not been reported in the literature in individuals affected with CHEK2-related conditions. ClinVar contains an entry for this variant (Variation ID: 483373). In silico splice site analysis predicts that this alteration will weaken the native splice donor site. Variants that disrupt the consensus splice site are a relatively common cause of aberrant splicing (PMID: 17576681, 9536098). Studies have shown this variant is associated with exon skipping, In summary ,this variant has been classified as uncertain significance variant . Pathogenic/likely pathogenic mutations in the CHEK2 gene cause susceptibility to breast cancer (OMIM# 114480).

Baylor Genetics
Classification: Uncertain significance for Familial cancer of breast. Last evaluated: 2023-05-10. Review status: criteria provided, single submitter. Criteria: ACMG Guidelines, 2015. Collection method: clinical testing. Allele origin: unknown.

Literature cited by the submitters: PubMed 17576681 (cited by Labcorp Genetics (formerly Invitae), Labcorp); PubMed 9536098 (cited by Labcorp Genetics (formerly Invitae), Labcorp).